The following is an entry in ClinVar:

NM_017849.4(TMEM127):c.24del (p.Leu9fs)

Genes: TMEM127 (transmembrane protein 127; minus strand), LOC129934333 (ATAC-STARR-seq lymphoblastoid silent region 11759; plus strand). Cytogenetic location: 2q11.2.
Variant type: Deletion.
Coding change: c.24del on transcript NM_017849.4 (MANE Select); coding-DNA position 24, one base deleted (G; older notation c.24delG).
Protein change: p.Leu9fs; shifts the reading frame from leucine 9.
Molecular consequence: frameshift variant.
Genome position (GRCh38, 1-based): chr2:96,265,358, C deleted on the plus strand (G on the coding strand, the reverse complement: TMEM127 is on the minus strand); the first of 3 consecutive C bases (chr2:96,265,358-96,265,360); deleting any one gives the same sequence. VCF-style (leftmost placement, unchanged base first): chr2-96265357-GC-G. GRCh37 (hg19) VCF-style: chr2-96931095-GC-G.
Other names: c.24del, p.Leu9fs (NM_001193304.3); short protein forms L9fs.
Identifiers: ClinVar variation 1070595 (VCV001070595.7), dbSNP rs2104308495, ClinGen allele CA2499216308.
Genomic context (GRCh38, chr2:96,265,357, plus strand): 5'-GCTCCGGCTGCTTGGGCAGAGCGCTGCCTCCCGGGCTCCTCCGCCGGCGCCCGCCGGGCA[GC>G]CCTGCGCCTCCGGGGGCGTACATGCCCGGGGCCGCCCGCCGTCGCTCCGCAGTCGCTGCT-3'

ClinVar aggregate classification (germline): Pathogenic (1 of 4 stars; one submission).

Conditions:
Hereditary pheochromocytoma and paraganglioma. Also called: Hereditary paragangliomas and pheochromocytomas; Hereditary pheochromocytoma-paraganglioma; Hereditary Paraganglioma-Pheochromocytoma Syndromes. Identifiers: Orphanet 29072, MedGen C4274332, MONDO:0017366.

Submission:

Labcorp Genetics (formerly Invitae), Labcorp
Classification: Pathogenic for Hereditary pheochromocytoma and paraganglioma. Last evaluated: 2020-09-08. Review status: criteria provided, single submitter. Criteria: Invitae Variant Classification Sherloc (09022015). Collection method: clinical testing. Allele origin: germline.
Comment: This sequence change creates a premature translational stop signal (p.Leu9Cysfs*72) in the TMEM127 gene. It is expected to result in an absent or disrupted protein product. The frequency data for this variant in the population databases is considered unreliable, as metrics indicate insufficient coverage at this position in the ExAC database. This variant has not been reported in the literature in individuals with TMEM127-related conditions. Loss-of-function variants in TMEM127 are known to be pathogenic (PMID: 20154675, 21156949). For these reasons, this variant has been classified as Pathogenic.

Literature cited by the submitters: PubMed 20154675; PubMed 21156949.